The following is an entry in ClinVar:

NM_016604.4(KDM3B):c.4022C>T (p.Ala1341Val)

Gene: KDM3B (lysine demethylase 3B; plus strand). Cytogenetic location: 5q31.2.
Variant type: single nucleotide variant.
Coding change: c.4022C>T on transcript NM_016604.4 (MANE Select); coding-DNA position 4022, C replaced by T.
Protein change: p.Ala1341Val; replaces alanine 1341 with valine.
Molecular consequence: missense variant.
Genome position (GRCh38, 1-based): chr5:138,424,124, C>T. VCF-style: chr5-138424124-C-T. GRCh37 (hg19) VCF-style: chr5-137759813-C-T.
Other names: short protein forms A1341V.
Identifiers: ClinVar variation 2626995 (VCV002626995.1), dbSNP rs2480310654, ClinGen allele CA361091401.

ClinVar aggregate classification (germline): Uncertain significance (1 of 4 stars; one submission).

Submission:

Greenwood Genetic Center Diagnostic Laboratories, Greenwood Genetic Center
Classification: Uncertain significance. Last evaluated: 2023-07-20. Review status: criteria provided, single submitter. Criteria: ACMG Guidelines, 2015. Collection method: clinical testing. Allele origin: germline. Affected: yes.
Comment: PM2